The following is an entry in ClinVar:

ClinVar aggregate classification (germline): Likely benign. Review status: criteria provided, multiple submitters, no conflicts (2 of 4 stars). 4 submissions from 4 submitters: Likely benign (4). Last evaluated 2026-03-11.

Conditions:
PRKACG-related disorder. Also called: PRKACG-related condition.

Submissions (4):

PreventionGenetics, part of Exact Sciences
Classification: Likely benign for PRKACG-related condition. Last evaluated: 2026-03-11. Review status: criteria provided, single submitter. Criteria: ACMG Guidelines, 2015. Collection method: clinical testing. Allele origin: germline.
Comment: This variant is classified as likely benign based on ACMG/AMP sequence variant interpretation guidelines (Richards et al. 2015 PMID: 25741868, with internal and published modifications).

CeGaT Center for Human Genetics Tuebingen
Classification: Likely benign. Last evaluated: 2024-12-01. Review status: criteria provided, single submitter. Criteria: CeGaT Center For Human Genetics Tuebingen Variant Classification Criteria Version 2. Collection method: clinical testing. Allele origin: germline. Affected: yes. Observed: 1 variant allele.
Comment: PRKACG: BP4, BP7

Mayo Clinic Laboratories, Mayo Clinic
Classification: Likely benign. Last evaluated: 2024-01-23. Review status: criteria provided, single submitter. Criteria: ACMG Guidelines, 2015. Collection method: clinical testing. Allele origin: germline. Observed: 3 variant alleles.
Comment: BP4, BP7

Blueprint Genetics
Classification: Likely benign. Last evaluated: 2022-07-14. Review status: criteria provided, single submitter. Criteria: ACMG Guidelines, 2015. Collection method: clinical testing. Allele origin: germline.

NM_002732.4(PRKACG):c.690T>C (p.Tyr230=)

Gene: PRKACG (protein kinase cAMP-activated catalytic subunit gamma; minus strand). Cytogenetic location: 9q21.11.
Variant type: single nucleotide variant.
Coding change: c.690T>C on transcript NM_002732.4 (MANE Select); coding-DNA position 690, T replaced by C.
Protein change: p.Tyr230=; no amino-acid change (tyrosine 230 retained).
Molecular consequence: synonymous variant.
Genome position (GRCh38, 1-based): chr9:69,013,403, A>G on the plus strand (T>C on the coding strand, the complement: PRKACG is on the minus strand). VCF-style: chr9-69013403-A-G. GRCh37 (hg19) VCF-style: chr9-71628319-A-G.
Other names: p.Tyr230=; c.690T>C (NM_002732.3).
Identifiers: ClinVar variation 3770839 (VCV003770839.16).